The following is an entry in ClinVar:

NM_005984.5(SLC25A1):c.539C>T (p.Thr180Met)

Gene: SLC25A1 (solute carrier family 25 member 1; minus strand). Cytogenetic location: 22q11.21.
Variant type: single nucleotide variant.
Coding change: c.539C>T on transcript NM_005984.5 (MANE Select); coding-DNA position 539, C replaced by T.
Protein change: p.Thr180Met; replaces threonine 180 with methionine.
Molecular consequence: missense variant. On other transcripts: non-coding transcript variant (1).
Genome position (GRCh38, 1-based): chr22:19,176,938, G>A on the plus strand (C>T on the coding strand, the complement: SLC25A1 is on the minus strand). VCF-style: chr22-19176938-G-A. GRCh37 (hg19) VCF-style: chr22-19164451-G-A.
Other names: c.560C>T, p.Thr187Met (NM_001256534.2); c.230C>T, p.Thr77Met (NM_001287387.2); short protein forms T180M, T187M, T77M.
Identifiers: ClinVar variation 1430172 (VCV001430172.6), dbSNP rs147446778, ClinGen allele CA10097393.

ClinVar aggregate classification (germline): Uncertain significance (1 of 4 stars; one submission).

Allele frequency attached by ClinVar (database versions not stated): ExAC 0.00005; gnomAD 0.00005 and 0.00006; gnomAD exomes 0.00006 and 0.00015; ESP Exome Variant Server 0.00008; TOPMed 0.00009.
gnomAD v4.1: 227 of 1,613,428 alleles (0.014%); highest among the groups gnomAD compares: Non-Finnish European, 0.019%; no homozygotes.

Submission:

Labcorp Genetics (formerly Invitae), Labcorp
Classification: Uncertain significance. Last evaluated: 2022-07-21. Review status: criteria provided, single submitter. Criteria: Invitae Variant Classification Sherloc (09022015). Collection method: clinical testing. Allele origin: germline.
Comment: ClinVar contains an entry for this variant (Variation ID: 1430172). In summary, the available evidence is currently insufficient to determine the role of this variant in disease. Therefore, it has been classified as a Variant of Uncertain Significance. Algorithms developed to predict the effect of missense changes on protein structure and function (SIFT, PolyPhen-2, Align-GVGD) all suggest that this variant is likely to be tolerated. This variant has not been reported in the literature in individuals affected with SLC25A1-related conditions. This variant is present in population databases (rs147446778, gnomAD 0.009%). This sequence change replaces threonine, which is neutral and polar, with methionine, which is neutral and non-polar, at codon 180 of the SLC25A1 protein (p.Thr180Met).